The following is an entry in ClinVar:

NM_004380.3(CREBBP):c.6805G>A (p.Gly2269Arg)

Gene: CREBBP (CREB binding lysine acetyltransferase; minus strand). Cytogenetic location: 16p13.3.
Variant type: single nucleotide variant.
Coding change: c.6805G>A on transcript NM_004380.3 (MANE Select); coding-DNA position 6805, G replaced by A.
Protein change: p.Gly2269Arg; replaces glycine 2269 with arginine.
Molecular consequence: missense variant.
Genome position (GRCh38, 1-based): chr16:3,728,242, C>T on the plus strand (G>A on the coding strand, the complement: CREBBP is on the minus strand). VCF-style: chr16-3728242-C-T. GRCh37 (hg19) VCF-style: chr16-3778243-C-T.
Other names: c.6691G>A, p.Gly2231Arg (NM_001079846.1); short protein forms G2231R, G2269R.
Identifiers: ClinVar variation 4986397 (VCV004986397.1).

ClinVar aggregate classification (germline): Uncertain significance (1 of 4 stars; one submission).

Conditions:
CREBBP-related disorder. Also called: CREBBP-related disorders; CREBBP-related condition.

Submission:

PreventionGenetics, part of Exact Sciences
Classification: Uncertain significance for CREBBP-related condition. Last evaluated: 2024-11-06. Review status: criteria provided, single submitter. Criteria: ACMG Guidelines, 2015. Collection method: clinical testing. Allele origin: germline.
Comment: The CREBBP c.6805G>A variant is predicted to result in the amino acid substitution p.Gly2269Arg. To our knowledge, this variant has not been reported in the literature or in a large population database (gnomAD), indicating this variant is rare. At this time, the clinical significance of this variant is uncertain due to the absence of conclusive functional and genetic evidence.